The following is an entry in ClinVar:

ClinVar aggregate classification (germline): Conflicting classifications of pathogenicity. Review status: criteria provided, conflicting classifications (1 of 4 stars). 3 submissions from 3 submitters: Pathogenic (1); Uncertain significance (1). 1 of the submissions does not count toward it. Last evaluated 2024-02-17.

Conditions:
Corneal dystrophy-perceptive deafness syndrome (CDPD). Also called: CORNEAL DYSTROPHY AND SENSORINEURAL DEAFNESS; HARBOYAN SYNDROME. Identifiers: Orphanet 1490, MedGen C1857572, MONDO:0009015, OMIM 217400.
Congenital hereditary endothelial dystrophy of cornea. Also called: CORNEAL DYSTROPHY, CONGENITAL HEREDITARY ENDOTHELIAL; Corneal endothelial dystrophy, autosomal recessive; Congenital hereditary endothelial dystrophy of the cornea; Maumenee corneal dystrophy; Congenital hereditary endothelial dystrophy type II. Identifiers: Orphanet 293603, MedGen C1857569, MONDO:0009019, OMIM 217700.

gnomAD v4.1: 16 of 1,613,942 alleles (0.00099%); highest among the groups gnomAD compares: Non-Finnish European, 0.0014%; no homozygotes.

Submissions (3):

Labcorp Genetics (formerly Invitae), Labcorp
Classification: Pathogenic. Last evaluated: 2024-02-17. Review status: criteria provided, single submitter. Criteria: Invitae Variant Classification Sherloc (09022015). Collection method: clinical testing. Allele origin: germline.
Comment: This sequence change replaces glutamic acid, which is acidic and polar, with lysine, which is basic and polar, at codon 143 of the SLC4A11 protein (p.Glu143Lys). This variant is present in population databases (no rsID available, gnomAD 0.0009%). This missense change has been observed in individual(s) with congenital hereditary corneal dystrophy (PMID: 17397048, 31323090, 35985662). In at least one individual the data is consistent with being in trans (on the opposite chromosome) from a pathogenic variant. ClinVar contains an entry for this variant (Variation ID: 1068022). Advanced modeling of protein sequence and biophysical properties (such as structural, functional, and spatial information, amino acid conservation, physicochemical variation, residue mobility, and thermodynamic stability) has been performed at Invitae for this missense variant, however the output from this modeling did not meet the statistical confidence thresholds required to predict the impact of this variant on SLC4A11 protein function. Experimental studies have shown that this missense change affects SLC4A11 function (PMID: 22072594, 24916015, 29327391, 31691803). For these reasons, this variant has been classified as Pathogenic.

Genetics and Molecular Pathology, SA Pathology
Classification: Uncertain significance for Congenital hereditary endothelial dystrophy of cornea. Last evaluated: 2021-09-28. Review status: criteria provided, single submitter. Criteria: ACMG Guidelines, 2015. Collection method: clinical testing. Allele origin: germline. Inheritance: Autosomal recessive inheritance. Affected: yes.

Natera, Inc.
Classification: Likely pathogenic for Corneal dystrophy-perceptive deafness syndrome. Last evaluated: 2020-03-31. Review status: no assertion criteria provided. Collection method: clinical testing. Allele origin: germline. Not counted in ClinVar's aggregate classification.

Literature cited by the submitters: PubMed 17397048 (cited by Labcorp Genetics (formerly Invitae), Labcorp); PubMed 31323090 (cited by Labcorp Genetics (formerly Invitae), Labcorp); PubMed 35985662 (cited by Labcorp Genetics (formerly Invitae), Labcorp); PubMed 22072594 (cited by Labcorp Genetics (formerly Invitae), Labcorp); PubMed 24916015 (cited by Labcorp Genetics (formerly Invitae), Labcorp); PubMed 29327391 (cited by Labcorp Genetics (formerly Invitae), Labcorp); PubMed 31691803 (cited by Labcorp Genetics (formerly Invitae), Labcorp).

NM_001174089.2(SLC4A11):c.379G>A (p.Glu127Lys)

Gene: SLC4A11 (solute carrier family 4 member 11; minus strand). Cytogenetic location: 20p13.
Variant type: single nucleotide variant.
Coding change: c.379G>A on transcript NM_001174089.2 (MANE Select); coding-DNA position 379, G replaced by A.
Protein change: p.Glu127Lys; replaces glutamic acid 127 with lysine.
Molecular consequence: missense variant. On other transcripts: non-coding transcript variant (1).
Genome position (GRCh38, 1-based): chr20:3,234,227, C>T on the plus strand (G>A on the coding strand, the complement: SLC4A11 is on the minus strand). VCF-style: chr20-3234227-C-T. GRCh37 (hg19) VCF-style: chr20-3214873-C-T.
Other names: c.508G>A, p.Glu170Lys (NM_001174090.2); c.379G>A, p.Glu127Lys (NM_001363745.2); c.427G>A, p.Glu143Lys (NM_032034.4); short protein forms E127K, E143K, E170K.
Identifiers: ClinVar variation 1068022 (VCV001068022.14), dbSNP rs1482631297, ClinGen allele CA408093957.